The following is an entry in ClinVar:

NM_033124.5(CCDC65):c.871C>T (p.Arg291Trp)

Gene: CCDC65 (coiled-coil domain containing 65; plus strand). Cytogenetic location: 12q13.12.
Variant type: single nucleotide variant.
Coding change: c.871C>T on transcript NM_033124.5 (MANE Select); coding-DNA position 871, C replaced by T.
Protein change: p.Arg291Trp; replaces arginine 291 with tryptophan.
Molecular consequence: missense variant.
Genome position (GRCh38, 1-based): chr12:48,918,748, C>T. VCF-style: chr12-48918748-C-T. GRCh37 (hg19) VCF-style: chr12-49312531-C-T.
Other names: c.442C>T, p.Arg148Trp (NM_001286957.2); short protein forms R148W, R291W.
Identifiers: ClinVar variation 1003152 (VCV001003152.4), dbSNP rs1371441762, ClinGen allele CA384631190.

ClinVar aggregate classification (germline): Uncertain significance (1 of 4 stars; one submission).

Conditions:
Primary ciliary dyskinesia 27. Also called: CILIARY DYSKINESIA, PRIMARY, 27, WITHOUT SITUS INVERSUS. Identifiers: Orphanet 244, MedGen C3809701, MONDO:0014215, OMIM 615504.

Allele frequency attached by ClinVar (database versions not stated): gnomAD exomes 0.00001; gnomAD 0.00002; TOPMed 0.00003.
gnomAD v4.1: 11 of 1,613,942 alleles (0.00068%); highest among the groups gnomAD compares: East Asian, 0.0045%; no homozygotes.

Submission:

Labcorp Genetics (formerly Invitae), Labcorp
Classification: Uncertain significance for Primary ciliary dyskinesia 27. Last evaluated: 2022-08-16. Review status: criteria provided, single submitter. Criteria: Invitae Variant Classification Sherloc (09022015). Collection method: clinical testing. Allele origin: germline.
Comment: This sequence change replaces arginine, which is basic and polar, with tryptophan, which is neutral and slightly polar, at codon 291 of the CCDC65 protein (p.Arg291Trp). This variant is present in population databases (no rsID available, gnomAD 0.004%). This variant has not been reported in the literature in individuals affected with CCDC65-related conditions. ClinVar contains an entry for this variant (Variation ID: 1003152). Algorithms developed to predict the effect of missense changes on protein structure and function are either unavailable or do not agree on the potential impact of this missense change (SIFT: "Deleterious"; PolyPhen-2: "Possibly Damaging"; Align-GVGD: "Class C15"). In summary, the available evidence is currently insufficient to determine the role of this variant in disease. Therefore, it has been classified as a Variant of Uncertain Significance.